The following is an entry in ClinVar:

ClinVar aggregate classification (germline): Uncertain significance (1 of 4 stars; one submission).

Conditions:
Early Myoclonic Encephalopathy. Identifiers: MedGen C0270855.

Allele frequency attached by ClinVar (database versions not stated): gnomAD exomes below 0.00001.
gnomAD v4.1: 2 of 1,612,300 alleles (0.00012%); highest among the groups gnomAD compares: Non-Finnish European, 0.000085%; no homozygotes.

Submission:

Labcorp Genetics (formerly Invitae), Labcorp
Classification: Uncertain significance for Early Myoclonic Encephalopathy. Last evaluated: 2022-01-14. Review status: criteria provided, single submitter. Criteria: Invitae Variant Classification Sherloc (09022015). Collection method: clinical testing. Allele origin: germline.
Comment: In summary, the available evidence is currently insufficient to determine the role of this variant in disease. Therefore, it has been classified as a Variant of Uncertain Significance. Algorithms developed to predict the effect of missense changes on protein structure and function are either unavailable or do not agree on the potential impact of this missense change (SIFT: "Deleterious"; PolyPhen-2: "Probably Damaging"; Align-GVGD: "Class C0"). ClinVar contains an entry for this variant (Variation ID: 460266). This variant has not been reported in the literature in individuals affected with JMJD1C-related conditions. This variant is not present in population databases (gnomAD no frequency). This sequence change replaces phenylalanine, which is neutral and non-polar, with tyrosine, which is neutral and polar, at codon 216 of the JMJD1C protein (p.Phe216Tyr).

NM_032776.3(JMJD1C):c.647T>A (p.Phe216Tyr)

Gene: JMJD1C (jumonji domain containing 1C; minus strand). Cytogenetic location: 10q21.3.
Variant type: single nucleotide variant.
Coding change: c.647T>A on transcript NM_032776.3 (MANE Select); coding-DNA position 647, T replaced by A.
Protein change: p.Phe216Tyr; replaces phenylalanine 216 with tyrosine.
Molecular consequence: missense variant. On other transcripts: 5 prime UTR variant (3), non-coding transcript variant (1).
Genome position (GRCh38, 1-based): chr10:63,217,238, A>T on the plus strand (T>A on the coding strand, the complement: JMJD1C is on the minus strand). VCF-style: chr10-63217238-A-T. GRCh37 (hg19) VCF-style: chr10-64976998-A-T.
Other names: c.101T>A, p.Phe34Tyr (NM_001282948.2, NM_001318154.2); c.-222T>A (NM_001318153.2); c.533T>A, p.Phe178Tyr (NM_001322252.2); c.-11T>A (NM_001322254.2, NM_001322258.2); short protein forms F216Y, F34Y, F178Y.
Identifiers: ClinVar variation 460266 (VCV000460266.8), dbSNP rs1554841947, ClinGen allele CA377053699.